The following is an entry in ClinVar:

NM_000051.4(ATM):c.4868T>C (p.Leu1623Pro)

Gene: ATM (ATM serine/threonine kinase; plus strand). Cytogenetic location: 11q22.3.
Variant type: single nucleotide variant.
Coding change: c.4868T>C on transcript NM_000051.4 (MANE Select); coding-DNA position 4868, T replaced by C.
Protein change: p.Leu1623Pro; replaces leucine 1623 with proline.
Molecular consequence: missense variant.
Genome position (GRCh38, 1-based): chr11:108,295,018, T>C. VCF-style: chr11-108295018-T-C. GRCh37 (hg19) VCF-style: chr11-108165745-T-C.
Other names: c.4868T>C, p.Leu1623Pro (NM_001351834.2); short protein forms L1623P.
Identifiers: ClinVar variation 186527 (VCV000186527.19), dbSNP rs786203017, ClinGen allele CA195088.

ClinVar aggregate classification (germline): Uncertain significance. Review status: criteria provided, multiple submitters, no conflicts (2 of 4 stars). 6 submissions from 6 submitters: Uncertain significance (6). Last evaluated 2025-09-02.

Conditions:
Familial cancer of breast. Also called: BREAST CANCER, FAMILIAL; Hereditary breast cancer; hereditary breast carcinoma. Identifiers: Orphanet 227535, MedGen C0346153, MONDO:0016419, OMIM 114480. Disease mechanism: loss of function.
Hereditary cancer-predisposing syndrome. Also called: Hereditary Cancer Syndrome; Neoplastic Syndromes, Hereditary; Tumor predisposition; Hereditary neoplastic syndrome. Identifiers: Orphanet 140162, MedGen C0027672, MeSH D009386, MONDO:0015356.
Ataxia-telangiectasia syndrome (AT). Also called: Ataxia-telangiectasia, complementation group D; AT, COMPLEMENTATION GROUP C; ATAXIA-TELANGIECTASIA, COMPLEMENTATION GROUP A; ATAXIA-TELANGIECTASIA, FRESNO VARIANT; Ataxia-telangiectasia; LOUIS-BAR SYNDROME. Identifiers: Orphanet 100, MedGen C0004135, MONDO:0008840, OMIM 208900.

Submissions (6):

Labcorp Genetics (formerly Invitae), Labcorp
Classification: Uncertain significance for Ataxia-telangiectasia syndrome. Last evaluated: 2025-09-02. Review status: criteria provided, single submitter. Criteria: Invitae Variant Classification Sherloc (09022015). Collection method: clinical testing. Allele origin: germline.
Comment: This sequence change replaces leucine, which is neutral and non-polar, with proline, which is neutral and non-polar, at codon 1623 of the ATM protein (p.Leu1623Pro). This variant is not present in population databases (gnomAD no frequency). This missense change has been observed in individual(s) with pancreatic and endometrial cancer and lymphoma (PMID: 29360161). ClinVar contains an entry for this variant (Variation ID: 186527). Invitae Evidence Modeling of protein sequence and biophysical properties (such as structural, functional, and spatial information, amino acid conservation, physicochemical variation, residue mobility, and thermodynamic stability) indicates that this missense variant is not expected to disrupt ATM protein function with a negative predictive value of 95%. In summary, the available evidence is currently insufficient to determine the role of this variant in disease. Therefore, it has been classified as a Variant of Uncertain Significance.

Women's Health and Genetics/Laboratory Corporation of America, LabCorp
Classification: Uncertain significance. Last evaluated: 2025-02-06. Review status: criteria provided, single submitter. Criteria: LabCorp Variant Classification Summary - May 2015. Collection method: clinical testing. Allele origin: germline.
Comment: Variant summary: ATM c.4868T>C (p.Leu1623Pro) results in a non-conservative amino acid change located in the ARM repeat domain (IPR016024) of the encoded protein sequence. Three of five in-silico tools predict a benign effect of the variant on protein function. The variant was absent in 251362 control chromosomes. The available data on variant occurrences in the general population are insufficient to allow any conclusion about variant significance. c.4868T>C has been reported in the literature in at least one individual affected with Pancreatic/lymphoma/uterine cancer, no reported family history of cancer and not fulfilling the NCCN criteria for Lynch and HBOC (Dudley_2018). This report does not provide unequivocal conclusions about association of the variant with Ataxia Telangiectasia, Breast or any ATM associated cancer. To our knowledge, no experimental evidence demonstrating an impact on protein function has been reported. The following publication has been ascertained in the context of this evaluation (PMID: 29360161). ClinVar contains an entry for this variant (Variation ID: 186527). Based on the evidence outlined above, the variant was classified as uncertain significance.

Ambry Genetics
Classification: Uncertain significance for Hereditary cancer-predisposing syndrome. Last evaluated: 2024-03-23. Review status: criteria provided, single submitter. Criteria: Ambry Variant Classification Scheme 2023. Collection method: clinical testing. Allele origin: germline.
Comment: The p.L1623P variant (also known as c.4868T>C), located in coding exon 31 of the ATM gene, results from a T to C substitution at nucleotide position 4868. The leucine at codon 1623 is replaced by proline, an amino acid with similar properties. This amino acid position is poorly conserved in available vertebrate species. In addition, this alteration is predicted to be tolerated by in silico analysis. Since supporting evidence is limited at this time, the clinical significance of this alteration remains unclear.

Baylor Genetics
Classification: Uncertain significance for Familial cancer of breast. Last evaluated: 2024-02-07. Review status: criteria provided, single submitter. Criteria: ACMG Guidelines, 2015. Collection method: clinical testing. Allele origin: unknown.

Color Diagnostics, LLC DBA Color Health
Classification: Uncertain significance for Hereditary cancer-predisposing syndrome. Last evaluated: 2022-02-16. Review status: criteria provided, single submitter. Criteria: ACMG Guidelines, 2015. Collection method: clinical testing. Allele origin: germline.
Comment: This missense variant replaces leucine with proline at codon 1623 of the ATM protein. Computational prediction suggests that this variant may not impact protein structure and function (internally defined REVEL score threshold <= 0.5, PMID: 27666373). To our knowledge, functional studies have not been reported for this variant. This variant has not been reported in individuals affected with hereditary cancer in the literature. This variant has not been identified in the general population by the Genome Aggregation Database (gnomAD). The available evidence is insufficient to determine the role of this variant in disease conclusively. Therefore, this variant is classified as a Variant of Uncertain Significance.

GeneDx
Classification: Uncertain significance. Last evaluated: 2015-08-26. Review status: criteria provided, single submitter. Criteria: GeneDx Variant Classification (06012015). Collection method: clinical testing. Allele origin: germline. Affected: yes.
Comment: This variant is denoted ATM c.4868T>C at the cDNA level, p.Leu1623Pro (L1623P) at the protein level, and results in the change of a Leucine to a Proline (CTA>CCA). This variant has not, to our knowledge, been published in the literature as pathogenic or benign. ATM Leu1623Pro was not observed in approximately 6,500 individuals of European and African American ancestry in the NHLBI Exome Sequencing Project, indicating it is not a common benign variant in these populations. Since Leucine and Proline differ in some properties, this is considered a semi-conservative amino acid substitution. ATM Leu1623Pro occurs at a position that is not conserved and is not located in a known functional domain (Stracker 2013). In silico analyses are inconsistent regarding the effect this variant may have on protein structure and function. Based on currently available information, it is unclear whether ATM Leu1623Pro is pathogenic or benign. We consider it to be a variant of uncertain significance.

Literature cited by the submitters: PubMed 29360161 (cited by Labcorp Genetics (formerly Invitae), Labcorp and Women's Health and Genetics/Laboratory Corporation of America, LabCorp).